The following is an entry in ClinVar:

ClinVar aggregate classification (germline): Pathogenic. Review status: criteria provided, multiple submitters, no conflicts (2 of 4 stars). 2 submissions from 2 submitters: Pathogenic (2). Last evaluated 2025-08-20.

Conditions:
Autosomal recessive limb-girdle muscular dystrophy type 2P. Also called: MUSCULAR DYSTROPHY, LIMB-GIRDLE, TYPE 2P; Limb-Girdle Muscular Dystrophy Type 9C; MUSCULAR DYSTROPHY-DYSTROGLYCANOPATHY, LIMB-GIRDLE, DAG1-RELATED. Identifiers: Orphanet 280333, MedGen C4511963, MONDO:0013440, OMIM 613818.
Muscular dystrophy-dystroglycanopathy (congenital with brain and eye anomalies), type A9. Also called: WALKER-WARBURG SYNDROME OR MUSCLE-EYE BRAIN DISEASE, DAG1-RELATED; Muscular dystrophy-dystroglycanopathy (congenital with brain and eye anomalies), type a, 9. Identifiers: Orphanet 370997, Orphanet 899, MedGen C4225291, MONDO:0014683, OMIM 616538.

Submissions (4):

Labcorp Genetics (formerly Invitae), Labcorp
Classification: Pathogenic for Autosomal recessive limb-girdle muscular dystrophy type 2P; Muscular dystrophy-dystroglycanopathy (congenital with brain and eye anomalies), type A9. Last evaluated: 2025-08-20. Review status: criteria provided, single submitter. Criteria: Invitae Variant Classification Sherloc (09022015). Collection method: clinical testing. Allele origin: germline.
Comment: This sequence change creates a premature translational stop signal (p.Ser14*) in the DAG1 gene. It is expected to result in an absent or disrupted protein product. Loss-of-function variants in DAG1 are known to be pathogenic (PMID: 25934851). This variant is not present in population databases (gnomAD no frequency). This variant has not been reported in the literature in individuals affected with DAG1-related conditions. ClinVar contains an entry for this variant (Variation ID: 1073860). For these reasons, this variant has been classified as Pathogenic.

Dasa
Classification: Pathogenic. Last evaluated: 2024-11-22. Review status: criteria provided, single submitter. Criteria: DASA Assertion Criteria. Collection method: clinical testing. Allele origin: germline.
Comment: NM_004393.6(DAG1):c.41C>A (p.Ser14*) introduces a premature termination codon predicted to result in loss of normal protein function. Loss-of-function is an established mechanism of disease for this gene. This variant has been reported in individuals with related phenotype. The variant is present at low frequency in population datasets. Based on the available data, this variant is classified as pathogenic.

Dr. Peter K. Rogan Lab, Western University
No classification provided (evidence only). Condition: Thyroid cancer, nonmedullary, 1. Review status: no classification provided. Collection method: in vitro. Allele origin: not applicable. Functional consequence: retained intron. Not counted in ClinVar's aggregate classification.

Dr. Peter K. Rogan Lab, Western University
No classification provided (evidence only). Condition: Nonpapillary renal cell carcinoma. Review status: no classification provided. Collection method: in vitro. Allele origin: not applicable. Functional consequence: retained intron. Not counted in ClinVar's aggregate classification.

Literature cited by the submitters: PubMed 25934851 (cited by Labcorp Genetics (formerly Invitae), Labcorp).

NM_004393.6(DAG1):c.41C>A (p.Ser14Ter)

Gene: DAG1 (dystroglycan 1; plus strand). Cytogenetic location: 3p21.31.
Variant type: single nucleotide variant.
Coding change: c.41C>A on transcript NM_004393.6 (MANE Select); coding-DNA position 41, C replaced by A.
Protein change: p.Ser14Ter; replaces serine 14 with a stop codon.
Molecular consequence: nonsense.
Genome position (GRCh38, 1-based): chr3:49,510,575, C>A. VCF-style: chr3-49510575-C-A. GRCh37 (hg19) VCF-style: chr3-49548008-C-A.
Other names: c.41C>A, p.Ser14Ter (NM_001165928.4, NM_001177634.3, NM_001177635.3 and 9 more transcripts); short protein forms S14*.
Identifiers: ClinVar variation 1073860 (VCV001073860.5), dbSNP rs2131107, ClinGen allele CA352800031.